The following is an entry in ClinVar:

ClinVar aggregate classification (germline): Likely benign (1 of 4 stars; one submission).

Allele frequency attached by ClinVar (database versions not stated): gnomAD 0.00001 and 0.00002; gnomAD exomes 0.00001; TOPMed 0.00001; ExAC 0.00002.
gnomAD v4.1: 9 of 1,612,814 alleles (0.00056%); highest among the groups gnomAD compares: Non-Finnish European, 0.00076%; no homozygotes.

Submission:

GeneDx
Classification: Likely benign. Last evaluated: 2018-05-31. Review status: criteria provided, single submitter. Criteria: GeneDx Variant Classification (06012015). Collection method: clinical testing. Allele origin: germline. Affected: yes.
Comment: This variant is considered likely benign or benign based on one or more of the following criteria: it is a conservative change, it occurs at a poorly conserved position in the protein, it is predicted to be benign by multiple in silico algorithms, and/or has population frequency not consistent with disease.

NM_001080779.2(MYO1C):c.222T>C (p.Asn74=)

Gene: MYO1C (myosin IC; minus strand). Cytogenetic location: 17p13.3.
Variant type: single nucleotide variant.
Coding change: c.222T>C on transcript NM_001080779.2 (MANE Select); coding-DNA position 222, T replaced by C.
Protein change: p.Asn74=; no amino-acid change (asparagine 74 retained).
Molecular consequence: synonymous variant.
Genome position (GRCh38, 1-based): chr17:1,484,157, A>G on the plus strand (T>C on the coding strand, the complement: MYO1C is on the minus strand). VCF-style: chr17-1484157-A-G. GRCh37 (hg19) VCF-style: chr17-1387451-A-G.
Other names: c.150T>C, p.Asn50= (NM_001363855.1); c.117T>C, p.Asn39= (NM_033375.5); c.165T>C, p.Asn55= (NM_001080950.2).
Identifiers: ClinVar variation 668628 (VCV000668628.1), dbSNP rs760544139, ClinGen allele CA8268157.
Genomic context (GRCh38, chr17:1,484,157, plus strand): 5'-GCCTGTGTCTGTGACCCCAGCACCCCTGCCATCTCCCCACAAGGGCCTCACGTAGATGAG[A>G]TTCTCCCGAAATCGCCGCCGCAGGTTCTCGATGAAGGCGGCCTCGCTGGTGAAGTTCTCC-3'
Protein context (NP_001074248.1, residues 64-84): IENLRRRFRE[Asn74=]LIYTYIGPVL